The following is an entry in ClinVar:

NM_005233.6(EPHA3):c.1626G>A (p.Val542=)

Gene: EPHA3 (EPH receptor A3; plus strand). Cytogenetic location: 3p11.1.
Variant type: single nucleotide variant.
Coding change: c.1626G>A on transcript NM_005233.6 (MANE Select); coding-DNA position 1626, G replaced by A.
Protein change: p.Val542=; no amino-acid change (valine 542 retained).
Molecular consequence: synonymous variant.
Genome position (GRCh38, 1-based): chr3:89,407,300, G>A. VCF-style: chr3-89407300-G-A. GRCh37 (hg19) VCF-style: chr3-89456450-G-A.
Identifiers: ClinVar variation 717834 (VCV000717834.5), dbSNP rs56330723, ClinGen allele CA2502594.

ClinVar aggregate classification (germline): Likely benign. Review status: criteria provided, single submitter (1 of 4 stars). 2 submissions from 2 submitters: Likely benign (1). 1 of the submissions does not count toward it. Last evaluated 2018-01-02.

Conditions:
EPHA3-related disorder. Also called: EPHA3-related condition.

Allele frequency attached by ClinVar (database versions not stated): 1000 Genomes Project 0.00020; 1000 Genomes Project 30x 0.00047; TOPMed 0.00109; gnomAD exomes 0.00128 and 0.00193; ExAC 0.00131; gnomAD 0.00131 and 0.00136; ESP Exome Variant Server 0.00154.
gnomAD v4.1: 2,984 of 1,613,496 alleles (0.18%); highest among the groups gnomAD compares: Non-Finnish European, 0.23%; 3 homozygotes.

Submissions (2):

Labcorp Genetics (formerly Invitae), Labcorp
Classification: Likely benign. Last evaluated: 2018-01-02. Review status: criteria provided, single submitter. Criteria: Invitae Variant Classification Sherloc (09022015). Collection method: clinical testing. Allele origin: germline.

PreventionGenetics, part of Exact Sciences
Classification: Likely benign for EPHA3-related condition. Last evaluated: 2019-10-28. Review status: no assertion criteria provided. Collection method: clinical testing. Allele origin: germline. Not counted in ClinVar's aggregate classification.
Comment: This variant is classified as likely benign based on ACMG/AMP sequence variant interpretation guidelines (Richards et al. 2015 PMID: 25741868, with internal and published modifications).